The following is an entry in ClinVar:

NM_006269.2(RP1):c.5665C>T (p.Gln1889Ter)

Genes: RP1 (RP1 axonemal microtubule associated; plus strand), LOC126860392 (CDK7 strongly-dependent group 2 enhancer GRCh37_chr8:55541319-55542518; plus strand). Cytogenetic location: 8q12.1.
Variant type: single nucleotide variant.
Coding change: c.5665C>T on transcript NM_006269.2 (MANE Select); coding-DNA position 5665, C replaced by T.
Protein change: p.Gln1889Ter; replaces glutamine 1889 with a stop codon.
Molecular consequence: nonsense. On other transcripts: intron variant (1).
Genome position (GRCh38, 1-based): chr8:54,629,547, C>T. VCF-style: chr8-54629547-C-T. GRCh37 (hg19) VCF-style: chr8-55542107-C-T.
Other names: c.787+7259C>T (NM_001375654.1); short protein forms Q1889*.
Identifiers: ClinVar variation 3775438 (VCV003775438.1).

ClinVar aggregate classification (germline): Likely pathogenic (1 of 4 stars; one submission).

Conditions:
Retinitis pigmentosa 1 (RP1). Identifiers: Orphanet 791, MedGen C0220701, MONDO:0008377, OMIM 180100.

Submission:

3billion
Classification: Likely pathogenic for Retinitis pigmentosa 1. Last evaluated: 2024-01-11. Review status: criteria provided, single submitter. Criteria: ACMG Guidelines, 2015. Collection method: clinical testing. Allele origin: germline. Affected: yes.
Comment: The variant is not observed in the gnomAD v2.1.1 dataset. Predicted Consequence/Location: Stop-gained (nonsense): predicted to result in a loss or disruption of normal protein function through protein truncation. The predicted truncated protein may be shortened by more than 10%. Therefore, this variant is classified as Likely pathogenic according to the recommendation of ACMG/AMP guideline.